The following is an entry in ClinVar:

NM_001458.5(FLNC):c.4742C>A (p.Pro1581His)

Gene: FLNC (filamin C; plus strand). Cytogenetic location: 7q32.1.
Variant type: single nucleotide variant.
Coding change: c.4742C>A on transcript NM_001458.5 (MANE Select); coding-DNA position 4742, C replaced by A.
Protein change: p.Pro1581His; replaces proline 1581 with histidine.
Molecular consequence: missense variant.
Genome position (GRCh38, 1-based): chr7:128,848,797, C>A. VCF-style: chr7-128848797-C-A. GRCh37 (hg19) VCF-style: chr7-128488851-C-A.
Other names: c.4742C>A, p.Pro1581His (NM_001127487.2); short protein forms P1581H.
Identifiers: ClinVar variation 1042650 (VCV001042650.9), dbSNP rs1365087680, ClinGen allele CA369202880.
Genomic context (GRCh38, chr7:128,848,797, plus strand): 5'-ACCCCGCAGGTCATGCTCCAGGCACAGGCGGGCCTTGACCTCTGCTTCTCCCTCAGGACC[C>A]CGAGGGTAAGCCCAAGAAGGCCAACATCCGGGACAATGGGGATGGCACGTACACTGTGTC-3'
Protein context (NP_001449.3, residues 1571-1591): EGLLTVQILD[Pro1581His]EGKPKKANIR

ClinVar aggregate classification (germline): Uncertain significance (1 of 4 stars; one submission).

Conditions:
Myofibrillar myopathy 5. Also called: FILAMINOPATHY, AUTOSOMAL DOMINANT; Filaminopathy (type). Identifiers: Orphanet 171445, MedGen C1836050, MONDO:0012289, OMIM 609524.
Distal myopathy with posterior leg and anterior hand involvement. Also called: WILLIAMS DISTAL MYOPATHY. Identifiers: Orphanet 63273, MedGen C3279722, MONDO:0013550, OMIM 614065.
Hypertrophic cardiomyopathy 26. Also called: Cardiomyopathy, familial hypertrophic, 26. Identifiers: Orphanet 75249, MedGen C4310749, MONDO:0014883, OMIM 617047.

Allele frequency attached by ClinVar (database versions not stated): TOPMed 0.00001.

Submission:

Labcorp Genetics (formerly Invitae), Labcorp
Classification: Uncertain significance for Distal myopathy with posterior leg and anterior hand involvement; Myofibrillar myopathy 5; Hypertrophic cardiomyopathy 26. Last evaluated: 2020-06-08. Review status: criteria provided, single submitter. Criteria: Invitae Variant Classification Sherloc (09022015). Collection method: clinical testing. Allele origin: germline.
Comment: In summary, the available evidence is currently insufficient to determine the role of this variant in disease. Therefore, it has been classified as a Variant of Uncertain Significance. Algorithms developed to predict the effect of missense changes on protein structure and function are either unavailable or do not agree on the potential impact of this missense change (SIFT: "Deleterious"; PolyPhen-2: "Probably Damaging"; Align-GVGD: "Class C0"). This variant has not been reported in the literature in individuals with FLNC-related conditions. This variant is not present in population databases (ExAC no frequency). This sequence change replaces proline with histidine at codon 1581 of the FLNC protein (p.Pro1581His). The proline residue is highly conserved and there is a moderate physicochemical difference between proline and histidine.